The following is an entry in ClinVar:

NM_001999.4(FBN2):c.924A>T (p.Lys308Asn)

Gene: FBN2 (fibrillin 2; minus strand). Cytogenetic location: 5q23.3.
Variant type: single nucleotide variant.
Coding change: c.924A>T on transcript NM_001999.4 (MANE Select); coding-DNA position 924, A replaced by T.
Protein change: p.Lys308Asn; replaces lysine 308 with asparagine.
Molecular consequence: missense variant.
Genome position (GRCh38, 1-based): chr5:128,446,509, T>A on the plus strand (A>T on the coding strand, the complement: FBN2 is on the minus strand). VCF-style: chr5-128446509-T-A. GRCh37 (hg19) VCF-style: chr5-127782202-T-A.
Other names: short protein forms K308N.
Identifiers: ClinVar variation 1766313 (VCV001766313.6), dbSNP rs1237708810, ClinGen allele CA360751940.

ClinVar aggregate classification (germline): Uncertain significance. Review status: criteria provided, multiple submitters, no conflicts (2 of 4 stars). 3 submissions from 3 submitters: Uncertain significance (3). Last evaluated 2025-05-19.

Conditions:
Familial thoracic aortic aneurysm and aortic dissection (TAAD). Also called: Thoracic aortic aneurysms and dissections. Identifiers: Orphanet 91387, MedGen C4707243, MONDO:0019625.
Congenital contractural arachnodactyly (CCA). Also called: BEALS SYNDROME; Beals-Hecht syndrome; Arthrogryposis, distal, type 9. Identifiers: Orphanet 115, MedGen C0220668, MONDO:0007363, OMIM 121050.

gnomAD v4.1: 4 of 1,614,008 alleles (0.00025%); highest among the groups gnomAD compares: Admixed American, 0.0017%; no homozygotes.

Submissions (3):

Labcorp Genetics (formerly Invitae), Labcorp
Classification: Uncertain significance for Congenital contractural arachnodactyly. Last evaluated: 2025-05-19. Review status: criteria provided, single submitter. Criteria: Invitae Variant Classification Sherloc (09022015). Collection method: clinical testing. Allele origin: germline.
Comment: This sequence change replaces lysine, which is basic and polar, with asparagine, which is neutral and polar, at codon 308 of the FBN2 protein (p.Lys308Asn). This variant is present in population databases (no rsID available, gnomAD 0.003%). This variant has not been reported in the literature in individuals affected with FBN2-related conditions. ClinVar contains an entry for this variant (Variation ID: 1766313). Invitae Evidence Modeling of protein sequence and biophysical properties (such as structural, functional, and spatial information, amino acid conservation, physicochemical variation, residue mobility, and thermodynamic stability) indicates that this missense variant is not expected to disrupt FBN2 protein function with a negative predictive value of 80%. In summary, the available evidence is currently insufficient to determine the role of this variant in disease. Therefore, it has been classified as a Variant of Uncertain Significance.

Blueprint Genetics
Classification: Uncertain significance. Last evaluated: 2022-04-22. Review status: criteria provided, single submitter. Criteria: ACMG Guidelines, 2015. Collection method: clinical testing. Allele origin: germline.

Ambry Genetics
Classification: Uncertain significance for Familial thoracic aortic aneurysm and aortic dissection. Last evaluated: 2020-12-10. Review status: criteria provided, single submitter. Criteria: Ambry Variant Classification Scheme 2023. Collection method: clinical testing. Allele origin: germline.
Comment: The p.K308N variant (also known as c.924A>T), located in coding exon 7 of the FBN2 gene, results from an A to T substitution at nucleotide position 924. The lysine at codon 308 is replaced by asparagine, an amino acid with similar properties. This amino acid position is not well conserved in available vertebrate species. In addition, this alteration is predicted to be tolerated by in silico analysis. Since supporting evidence is limited at this time, the clinical significance of this alteration remains unclear.